The following is an entry in ClinVar:

NM_002778.4(PSAP):c.769A>T (p.Met257Leu)

Gene: PSAP (prosaposin; minus strand). Cytogenetic location: 10q22.1.
Variant type: single nucleotide variant.
Coding change: c.769A>T on transcript NM_002778.4 (MANE Select); coding-DNA position 769, A replaced by T.
Protein change: p.Met257Leu; replaces methionine 257 with leucine.
Molecular consequence: missense variant.
Genome position (GRCh38, 1-based): chr10:71,825,845, T>A on the plus strand (A>T on the coding strand, the complement: PSAP is on the minus strand). VCF-style: chr10-71825845-T-A. GRCh37 (hg19) VCF-style: chr10-73585602-T-A.
Other names: c.769A>T, p.Met257Leu (NM_001042465.3, NM_001042466.3); c.769A>T (NM_002778.2); short protein forms M257L.
Identifiers: ClinVar variation 2052396 (VCV002052396.2), dbSNP rs772301464, ClinGen allele CA5547666.

ClinVar aggregate classification (germline): Uncertain significance. Review status: criteria provided, multiple submitters, no conflicts (2 of 4 stars). 2 submissions from 2 submitters: Uncertain significance (2). Last evaluated 2023-06-16.

Conditions:
Sphingolipid activator protein 1 deficiency. Also called: Metachromatic leukodystrophy due to saposin B deficiency; METACHROMATIC LEUKODYSTROPHY DUE TO CEREBROSIDE SULFATASE ACTIVATOR DEFICIENCY; Saposin B Deficiency. Identifiers: Orphanet 512, MedGen C0268262, MONDO:0009590, OMIM 249900.

Allele frequency attached by ClinVar (database versions not stated): ExAC 0.00001; gnomAD 0.00001; TOPMed 0.00001; gnomAD exomes 0.00002.
gnomAD v4.1: 26 of 1,613,110 alleles (0.0016%); highest among the groups gnomAD compares: Non-Finnish European, 0.0021%; no homozygotes.

Submissions (2):

GeneDx
Classification: Uncertain significance. Last evaluated: 2023-06-16. Review status: criteria provided, single submitter. Criteria: GeneDx Variant Classification Process June 2021. Collection method: clinical testing. Allele origin: germline. Affected: yes.
Comment: Not observed at significant frequency in large population cohorts (gnomAD); In silico analysis supports that this missense variant does not alter protein structure/function; Has not been previously published as pathogenic or benign to our knowledge

Labcorp Genetics (formerly Invitae), Labcorp
Classification: Uncertain significance for Sphingolipid activator protein 1 deficiency. Last evaluated: 2022-06-28. Review status: criteria provided, single submitter. Criteria: Invitae Variant Classification Sherloc (09022015). Collection method: clinical testing. Allele origin: germline.
Comment: This sequence change replaces methionine, which is neutral and non-polar, with leucine, which is neutral and non-polar, at codon 257 of the PSAP protein (p.Met257Leu). This variant is present in population databases (rs772301464, gnomAD 0.002%). This variant has not been reported in the literature in individuals affected with PSAP-related conditions. Algorithms developed to predict the effect of missense changes on protein structure and function are either unavailable or do not agree on the potential impact of this missense change (SIFT: "Not Available"; PolyPhen-2: "Benign"; Align-GVGD: "Not Available"). In summary, the available evidence is currently insufficient to determine the role of this variant in disease. Therefore, it has been classified as a Variant of Uncertain Significance.